The following is an entry in ClinVar:

NM_032043.3(BRIP1):c.2655C>T (p.Ser885=)

Gene: BRIP1 (BRCA1 interacting DNA helicase 1; minus strand). Cytogenetic location: 17q23.2.
Variant type: single nucleotide variant.
Coding change: c.2655C>T on transcript NM_032043.3 (MANE Select); coding-DNA position 2655, C replaced by T.
Protein change: p.Ser885=; no amino-acid change (serine 885 retained).
Molecular consequence: synonymous variant.
Genome position (GRCh38, 1-based): chr17:61,686,086, G>A on the plus strand (C>T on the coding strand, the complement: BRIP1 is on the minus strand). VCF-style: chr17-61686086-G-A. GRCh37 (hg19) VCF-style: chr17-59763447-G-A.
Identifiers: ClinVar variation 1078776 (VCV001078776.14), dbSNP rs2061359430, ClinGen allele CA501335905.

ClinVar aggregate classification (germline): Benign/Likely benign. Review status: criteria provided, multiple submitters, no conflicts (2 of 4 stars). 3 submissions from 3 submitters: Benign (1); Likely benign (2). Last evaluated 2025-11-18.

Conditions:
Fanconi anemia complementation group J. Also called: BRIP1-Related Fanconi Anemia. Identifiers: Orphanet 84, MedGen C1836860, MONDO:0012187, OMIM 609054.
Familial cancer of breast. Also called: BREAST CANCER, FAMILIAL; hereditary breast carcinoma; Hereditary breast cancer. Identifiers: Orphanet 227535, MedGen C0346153, MONDO:0016419, OMIM 114480. Disease mechanism: loss of function.
Hereditary cancer-predisposing syndrome. Also called: Neoplastic Syndromes, Hereditary; Hereditary neoplastic syndrome; Tumor predisposition; Hereditary Cancer Syndrome. Identifiers: Orphanet 140162, MedGen C0027672, MeSH D009386, MONDO:0015356.

Allele frequency attached by ClinVar (database versions not stated): gnomAD exomes below 0.00001.
gnomAD v4.1: 3 of 1,613,898 alleles (0.00019%); highest among the groups gnomAD compares: African/African-American, 0.0013%; no homozygotes.

Submissions (3):

Labcorp Genetics (formerly Invitae), Labcorp
Classification: Likely benign for Familial cancer of breast; Fanconi anemia complementation group J. Last evaluated: 2025-11-18. Review status: criteria provided, single submitter. Criteria: Invitae Variant Classification Sherloc (09022015). Collection method: clinical testing. Allele origin: germline.

Myriad Genetics, Inc.
Classification: Benign for Familial cancer of breast. Last evaluated: 2024-09-05. Review status: criteria provided, single submitter. Criteria: Myriad Autosomal Dominant, Autosomal Recessive and X-Linked Classification Criteria (2023). Collection method: clinical testing. Allele origin: unknown.
Comment: This variant is considered benign. This variant is a silent/synonymous amino acid change and it is not expected to impact splicing.

Ambry Genetics
Classification: Likely benign for Hereditary cancer-predisposing syndrome. Last evaluated: 2019-11-22. Review status: criteria provided, single submitter. Criteria: Ambry Variant Classification Scheme 2023. Collection method: clinical testing. Allele origin: germline.